The following is an entry in ClinVar:

NM_004181.5(UCHL1):c.106dup (p.Glu36fs)

Gene: UCHL1 (ubiquitin C-terminal hydrolase L1; plus strand). Cytogenetic location: 4p13.
Variant type: Duplication.
Coding change: c.106dup on transcript NM_004181.5 (MANE Select); coding-DNA position 106, one base duplicated (G; older notation c.106dupG).
Protein change: p.Glu36fs; shifts the reading frame from glutamic acid 36.
Molecular consequence: frameshift variant.
Genome position (GRCh38, 1-based): chr4:41,257,669, G duplicated. VCF-style (leftmost placement, unchanged base first): chr4-41257668-A-AG. GRCh37 (hg19) VCF-style: chr4-41259685-A-AG.
Other names: short protein forms E36fs.
Identifiers: ClinVar variation 3600804 (VCV003600804.1).
Genomic context (GRCh38, chr4:41,257,668, plus strand): 5'-GGTGCTGTCCCGGCTGGGGGTCGCCGGCCAGTGGCGCTTCGTGGACGTGCTGGGGCTGGA[A>AG]GAGGAGTCTCTGGGCTCGGTGCCAGCGCCTGCCTGCGCGCTGCTGCTGCTGTTTCCCCTC-3'

ClinVar aggregate classification (germline): Uncertain significance (1 of 4 stars; one submission).

Submission:

GeneDx
Classification: Uncertain significance. Last evaluated: 2024-07-23. Review status: criteria provided, single submitter. Criteria: GeneDx Variant Classification Process June 2021. Collection method: clinical testing. Allele origin: germline. Affected: yes.
Comment: Not observed at significant frequency in large population cohorts (gnomAD); Frameshift variant predicted to result in protein truncation or nonsense mediated decay in a gene or region of a gene for which loss of function is not a well-established mechanism of disease; Has not been previously published as pathogenic or benign to our knowledge